The following is an entry in ClinVar:

ClinVar aggregate classification (germline): Uncertain significance. Review status: criteria provided, single submitter (1 of 4 stars). 2 submissions from 2 submitters: Uncertain significance (1). 1 of the submissions does not count toward it. Last evaluated 2022-02-25.

Conditions:
DTNA-related disorder. Also called: DTNA-related condition.
Left ventricular noncompaction 1 (LVNC1). Also called: LEFT VENTRICULAR NONCOMPACTION 1 WITH OR WITHOUT CONGENITAL HEART DEFECTS. Identifiers: Orphanet 54260, MedGen C1858725, MONDO:0011403, OMIM 604169.

Allele frequency attached by ClinVar (database versions not stated): gnomAD 0.00001; ExAC 0.00002; gnomAD exomes 0.00001; TOPMed 0.00001.
gnomAD v4.1: 5 of 1,613,958 alleles (0.00031%); highest among the groups gnomAD compares: Non-Finnish European, 0.00042%; no homozygotes.

Submissions (2):

Labcorp Genetics (formerly Invitae), Labcorp
Classification: Uncertain significance for Left ventricular noncompaction 1. Last evaluated: 2022-02-25. Review status: criteria provided, single submitter. Criteria: Invitae Variant Classification Sherloc (09022015). Collection method: clinical testing. Allele origin: germline.
Comment: In summary, the available evidence is currently insufficient to determine the role of this variant in disease. Therefore, it has been classified as a Variant of Uncertain Significance. Algorithms developed to predict the effect of missense changes on protein structure and function (SIFT, PolyPhen-2, Align-GVGD) all suggest that this variant is likely to be tolerated. ClinVar contains an entry for this variant (Variation ID: 222595). This variant has not been reported in the literature in individuals affected with DTNA-related conditions. This variant is present in population databases (rs769251451, gnomAD 0.002%). This sequence change replaces aspartic acid, which is acidic and polar, with asparagine, which is neutral and polar, at codon 707 of the DTNA protein (p.Asp707Asn).

PreventionGenetics, part of Exact Sciences
Classification: Uncertain significance for DTNA-related condition. Last evaluated: 2024-03-04. Review status: no assertion criteria provided. Collection method: clinical testing. Allele origin: germline. Not counted in ClinVar's aggregate classification.
Comment: The DTNA c.2119G>A variant is predicted to result in the amino acid substitution p.Asp707Asn. To our knowledge, this variant has not been reported in the literature. This variant is reported in 0.0018% of alleles in individuals of European (Non-Finnish) descent in gnomAD. At this time, the clinical significance of this variant is uncertain due to the absence of conclusive functional and genetic evidence.

NM_001386795.1(DTNA):c.2200G>A (p.Asp734Asn)

Gene: DTNA (dystrobrevin alpha; plus strand). Cytogenetic location: 18q12.1.
Variant type: single nucleotide variant.
Coding change: c.2200G>A on transcript NM_001386795.1 (MANE Select); coding-DNA position 2200, G replaced by A.
Protein change: p.Asp734Asn; replaces aspartic acid 734 with asparagine.
Molecular consequence: missense variant.
Genome position (GRCh38, 1-based): chr18:34,882,106, G>A. VCF-style: chr18-34882106-G-A. GRCh37 (hg19) VCF-style: chr18-32462070-G-A.
Other names: c.1960G>A, p.Asp654Asn (NM_001198939.2); c.1939G>A, p.Asp647Asn (NM_001198940.2, NM_001386753.1, NM_001386767.1 and 5 more transcripts); c.1246G>A, p.Asp416Asn (NM_001198942.1); c.1189G>A, p.Asp397Asn (NM_001198943.1); c.1075G>A, p.Asp359Asn (NM_001198944.1); c.2029G>A, p.Asp677Asn (NM_001386754.1, NM_001386755.1, NM_001386756.1 and 3 more transcripts); c.1936G>A, p.Asp646Asn (NM_001386768.1, NM_001386769.1); c.2200G>A, p.Asp734Asn (NM_001386788.1); and 6 more; short protein forms D416N, D650N, D707N, D359N, D647N, D397N, D654N, D355N.
Identifiers: ClinVar variation 222595 (VCV000222595.7), dbSNP rs769251451, ClinGen allele CA086421.